The following is an entry in ClinVar:

NM_012193.4(FZD4):c.1302G>A (p.Met434Ile)

Genes: FZD4 (frizzled class receptor 4; minus strand), PRSS23 (serine protease 23; plus strand). Cytogenetic location: 11q14.2.
Variant type: single nucleotide variant.
Coding change: c.1302G>A on transcript NM_012193.4 (MANE Select); coding-DNA position 1302, G replaced by A.
Protein change: p.Met434Ile; replaces methionine 434 with isoleucine.
Molecular consequence: missense variant. On other transcripts: non-coding transcript variant (2).
Genome position (GRCh38, 1-based): chr11:86,951,454, C>T on the plus strand (G>A on the coding strand, the complement: FZD4 is on the minus strand). VCF-style: chr11-86951454-C-T. GRCh37 (hg19) VCF-style: chr11-86662496-C-T.
Other names: short protein forms M434I.
Identifiers: ClinVar variation 1928767 (VCV001928767.5), dbSNP rs1395375724, ClinGen allele CA382011881.

ClinVar aggregate classification (germline): Uncertain significance (1 of 4 stars; one submission).

Allele frequency attached by ClinVar (database versions not stated): gnomAD exomes below 0.00001; TOPMed below 0.00001.
gnomAD v4.1: 2 of 1,613,808 alleles (0.00012%); highest among the groups gnomAD compares: Non-Finnish European, 0.00017%; no homozygotes.

Submission:

Labcorp Genetics (formerly Invitae), Labcorp
Classification: Uncertain significance. Last evaluated: 2025-03-31. Review status: criteria provided, single submitter. Criteria: Invitae Variant Classification Sherloc (09022015). Collection method: clinical testing. Allele origin: germline.
Comment: This sequence change replaces methionine, which is neutral and non-polar, with isoleucine, which is neutral and non-polar, at codon 434 of the FZD4 protein (p.Met434Ile). This variant is present in population databases (no rsID available, gnomAD 0.007%). This variant has not been reported in the literature in individuals affected with FZD4-related conditions. ClinVar contains an entry for this variant (Variation ID: 1928767). Invitae Evidence Modeling of protein sequence and biophysical properties (such as structural, functional, and spatial information, amino acid conservation, physicochemical variation, residue mobility, and thermodynamic stability) indicates that this missense variant is not expected to disrupt FZD4 protein function with a negative predictive value of 80%. In summary, the available evidence is currently insufficient to determine the role of this variant in disease. Therefore, it has been classified as a Variant of Uncertain Significance.